The following is an entry in ClinVar:

ClinVar aggregate classification (germline): Likely benign. Review status: criteria provided, multiple submitters, no conflicts (2 of 4 stars). 3 submissions from 3 submitters: Likely benign (3). Last evaluated 2024-01-31.

Conditions:
Charcot-Marie-Tooth disease type 2. Also called: Charcot-Marie-Tooth type 2. Identifiers: Orphanet 64746, MedGen C0270914, MONDO:0018993.
Inborn genetic diseases. Identifiers: MedGen C0950123, MeSH D030342.

Allele frequency attached by ClinVar (database versions not stated): gnomAD 0.00001.
gnomAD v4.1: 6 of 1,613,840 alleles (0.00037%); highest among the groups gnomAD compares: Admixed American, 0.0083%; no homozygotes.

Submissions (3):

Labcorp Genetics (formerly Invitae), Labcorp
Classification: Likely benign for Charcot-Marie-Tooth disease type 2. Last evaluated: 2024-01-31. Review status: criteria provided, single submitter. Criteria: Invitae Variant Classification Sherloc (09022015). Collection method: clinical testing. Allele origin: germline.

Ambry Genetics
Classification: Likely benign for Inborn genetic diseases. Last evaluated: 2019-07-11. Review status: criteria provided, single submitter. Criteria: Ambry Variant Classification Scheme 2023. Collection method: clinical testing. Allele origin: germline.

GeneDx
Classification: Likely benign. Last evaluated: 2016-06-21. Review status: criteria provided, single submitter. Criteria: GeneDx Variant Classification (06012015). Collection method: clinical testing. Allele origin: germline. Affected: yes.
Comment: This variant is considered likely benign or benign based on one or more of the following criteria: it is a conservative change, it occurs at a poorly conserved position in the protein, it is predicted to be benign by multiple in silico algorithms, and/or has population frequency not consistent with disease.

NM_014874.4(MFN2):c.1293G>T (p.Ser431=)

Gene: MFN2 (mitofusin 2; plus strand). Cytogenetic location: 1p36.22.
Variant type: single nucleotide variant.
Coding change: c.1293G>T on transcript NM_014874.4 (MANE Select); coding-DNA position 1293, G replaced by T.
Protein change: p.Ser431=; no amino-acid change (serine 431 retained).
Molecular consequence: synonymous variant.
Genome position (GRCh38, 1-based): chr1:12,004,514, G>T. VCF-style: chr1-12004514-G-T. GRCh37 (hg19) VCF-style: chr1-12064571-G-T.
Other names: c.1293G>T, p.Ser431= (NM_001127660.2).
Identifiers: ClinVar variation 386621 (VCV000386621.11), dbSNP rs751915674, ClinGen allele CA599085.